The following is an entry in ClinVar:

ClinVar aggregate classification (germline): Conflicting classifications of pathogenicity. Review status: criteria provided, conflicting classifications (1 of 4 stars). 6 submissions from 6 submitters: Uncertain significance (5); Likely benign (1). Last evaluated 2025-06-09.

Conditions:
Familial cancer of breast. Also called: hereditary breast carcinoma; BREAST CANCER, FAMILIAL; Hereditary breast cancer. Identifiers: Orphanet 227535, MedGen C0346153, MONDO:0016419, OMIM 114480. Disease mechanism: loss of function.
BRCA1-related cancer predisposition. Identifiers: MedGen CN377757, MONDO:0700268.
Hereditary cancer-predisposing syndrome. Also called: Tumor predisposition; Hereditary neoplastic syndrome; Hereditary Cancer Syndrome; Neoplastic Syndromes, Hereditary. Identifiers: Orphanet 140162, MedGen C0027672, MeSH D009386, MONDO:0015356.
Hereditary breast ovarian cancer syndrome. Also called: Hereditary breast and ovarian cancer; Breast and ovarian cancer; Hereditary breast and ovarian cancer syndrome; BRCA1- and BRCA2-Associated Hereditary Breast and Ovarian Cancer; Hereditary breast and/or ovarian cancer syndrome; Hereditary breast and ovarian cancer syndrome (HBOC). Identifiers: Orphanet 145, MedGen C0677776, MeSH D061325, MONDO:0003582. Disease mechanism: loss of function.

Submissions (6):

Labcorp Genetics (formerly Invitae), Labcorp
Classification: Uncertain significance for Hereditary breast ovarian cancer syndrome. Last evaluated: 2025-06-09. Review status: criteria provided, single submitter. Criteria: Invitae Variant Classification Sherloc (09022015). Collection method: clinical testing. Allele origin: germline.
Comment: This sequence change replaces lysine, which is basic and polar, with glutamic acid, which is acidic and polar, at codon 175 of the BRCA1 protein (p.Lys175Glu). This variant is not present in population databases (gnomAD no frequency). This variant has not been reported in the literature in individuals affected with BRCA1-related conditions. ClinVar contains an entry for this variant (Variation ID: 575630). Invitae Evidence Modeling of protein sequence and biophysical properties (such as structural, functional, and spatial information, amino acid conservation, physicochemical variation, residue mobility, and thermodynamic stability) indicates that this missense variant is not expected to disrupt BRCA1 protein function with a negative predictive value of 80%. In summary, the available evidence is currently insufficient to determine the role of this variant in disease. Therefore, it has been classified as a Variant of Uncertain Significance.

All of Us Research Program, National Institutes of Health
Classification: Uncertain significance for BRCA1-related cancer predisposition. Last evaluated: 2024-07-23. Review status: criteria provided, single submitter. Criteria: ACMG Guidelines, 2015. Collection method: clinical testing. Allele origin: germline. Inheritance: Autosomal dominant inheritance. Observed: 1 variant allele, 1 heterozygote.
Comment: This study involves interpretation of variants in research participants for the purpose of population health screening. Participant phenotype was not available at the time of variant classification. Additional details can be found in publication PMID: 35346344, PMCID: PMC8962531

MGZ Medical Genetics Center
Classification: Likely benign for Familial cancer of breast. Last evaluated: 2024-02-09. Review status: criteria provided, single submitter. Criteria: CSpec BRCA1/2ACMG Rules Specifications V1.1.0. Collection method: clinical testing. Allele origin: germline. Affected: yes.
Comment: ACMG codes applied following ENIGMA VCEP rules: BP1_STR, PM2_SUP

Color Diagnostics, LLC DBA Color Health
Classification: Uncertain significance for Hereditary cancer-predisposing syndrome. Last evaluated: 2023-12-06. Review status: criteria provided, single submitter. Criteria: ACMG Guidelines, 2015. Collection method: clinical testing. Allele origin: germline.
Comment: This missense variant replaces lysine with glutamic acid at codon 175 of the BRCA1 protein. Computational prediction suggests that this variant may not impact protein structure and function. To our knowledge, functional studies have not been reported for this variant. This variant has not been reported in individuals affected with BRCA1-related disorders in the literature. This variant has not been identified in the general population by the Genome Aggregation Database (gnomAD). The available evidence is insufficient to determine the role of this variant in disease conclusively. Therefore, this variant is classified as a Variant of Uncertain Significance.

Ambry Genetics
Classification: Uncertain significance for Hereditary cancer-predisposing syndrome. Last evaluated: 2023-07-01. Review status: criteria provided, single submitter. Criteria: Ambry Variant Classification Scheme 2023. Collection method: clinical testing. Allele origin: germline.
Comment: The p.K175E variant (also known as c.523A>G), located in coding exon 6 of the BRCA1 gene, results from an A to G substitution at nucleotide position 523. The lysine at codon 175 is replaced by glutamic acid, an amino acid with similar properties. This amino acid position is poorly conserved in available vertebrate species. In addition, this alteration is predicted to be deleterious by in silico analysis. Since supporting evidence is limited at this time, the clinical significance of this alteration remains unclear.

Women's Health and Genetics/Laboratory Corporation of America, LabCorp
Classification: Uncertain significance. Last evaluated: 2019-04-02. Review status: criteria provided, single submitter. Criteria: LabCorp Variant Classification Summary - May 2015. Collection method: clinical testing. Allele origin: germline.
Comment: Variant summary: BRCA1 c.523A>G (p.Lys175Glu) results in a conservative amino acid change in the encoded protein sequence. Three of five in-silico tools predict a benign effect of the variant on protein function. The variant was absent in 277216 control chromosomes (gnomAD database). The available data on variant occurrences in the general population are insufficient to allow any conclusion about variant significance. To our knowledge, no occurrence of c.523A>G in individuals affected with Hereditary Breast and Ovarian Cancer and no experimental evidence demonstrating its impact on protein function have been reported. One clinical diagnostic laboratory has submitted clinical-significance assessments for this variant to ClinVar after 2014 without evidence for independent evaluation and classified the variant as uncertain significance. Based on the evidence outlined above, the variant was classified as uncertain significance.

NM_007294.4(BRCA1):c.523A>G (p.Lys175Glu)

Gene: BRCA1 (BRCA1 DNA repair associated; minus strand). Cytogenetic location: 17q21.31.
Variant type: single nucleotide variant.
Coding change: c.523A>G on transcript NM_007294.4 (MANE Select); coding-DNA position 523, A replaced by G.
Protein change: p.Lys175Glu; replaces lysine 175 with glutamic acid.
Molecular consequence: missense variant. On other transcripts: non-coding transcript variant (1).
Genome position (GRCh38, 1-based): chr17:43,099,799, T>C on the plus strand (A>G on the coding strand, the complement: BRCA1 is on the minus strand). VCF-style: chr17-43099799-T-C. GRCh37 (hg19) VCF-style: chr17-41251816-T-C.
Other names: c.382A>G, p.Lys128Glu (NM_001408455.1, NM_001408456.1, NM_001408457.1 and 61 more transcripts); c.379A>G, p.Lys127Glu (NM_001408462.1, NM_001408463.1, NM_001408464.1 and 35 more transcripts); c.523A>G, p.Lys175Glu (NM_001407616.1, NM_001407617.1, NM_001407618.1 and 97 more transcripts); c.310A>G, p.Lys104Glu (NM_001407571.1, NM_001407894.1, NM_001407895.1 and 18 more transcripts); c.442A>G, p.Lys148Glu (NM_001407662.1, NM_001407874.1, NM_001407875.1 and 6 more transcripts); c.445A>G, p.Lys149Glu (NM_001407663.1, NM_001407653.1, NM_001407654.1 and 12 more transcripts); c.520A>G, p.Lys174Glu (NM_001407627.1, NM_001407587.1, NM_001407628.1 and 65 more transcripts); c.514A>G, p.Lys172Glu (NM_001407646.1, NM_001407647.1, NM_001408408.1); and 4 more; short protein forms K175E, K128E, K127E, K47E, K130E, K148E, K48E, K172E.
Identifiers: ClinVar variation 575630 (VCV000575630.18), dbSNP rs1567806027, ClinGen allele CA10601095.